The following is an entry in ClinVar:

ClinVar aggregate classification (germline): Uncertain significance (1 of 4 stars; one submission).

Submission:

Labcorp Genetics (formerly Invitae), Labcorp
Classification: Uncertain significance. Last evaluated: 2023-11-28. Review status: criteria provided, single submitter. Criteria: Invitae Variant Classification Sherloc (09022015). Collection method: clinical testing. Allele origin: germline.
Comment: This sequence change replaces glycine, which is neutral and non-polar, with aspartic acid, which is acidic and polar, at codon 726 of the COL4A2 protein (p.Gly726Asp). The frequency data for this variant in the population databases is considered unreliable, as metrics indicate poor data quality at this position in the gnomAD database. This variant has not been reported in the literature in individuals affected with COL4A2-related conditions. Advanced modeling of protein sequence and biophysical properties (such as structural, functional, and spatial information, amino acid conservation, physicochemical variation, residue mobility, and thermodynamic stability) has been performed at Invitae for this missense variant, however the output from this modeling did not meet the statistical confidence thresholds required to predict the impact of this variant on COL4A2 protein function. In summary, the available evidence is currently insufficient to determine the role of this variant in disease. Therefore, it has been classified as a Variant of Uncertain Significance.

NM_001846.4(COL4A2):c.2177G>A (p.Gly726Asp)

Gene: COL4A2 (collagen type IV alpha 2 chain; plus strand). Cytogenetic location: 13q34.
Variant type: single nucleotide variant.
Coding change: c.2177G>A on transcript NM_001846.4 (MANE Select); coding-DNA position 2177, G replaced by A.
Protein change: p.Gly726Asp; replaces glycine 726 with aspartic acid.
Molecular consequence: missense variant.
Genome position (GRCh38, 1-based): chr13:110,469,298, G>A. VCF-style: chr13-110469298-G-A. GRCh37 (hg19) VCF-style: chr13-111121645-G-A.
Other names: short protein forms G726D.
Identifiers: ClinVar variation 2896621 (VCV002896621.3), dbSNP rs1372515992, ClinGen allele CA388740950.